The following is an entry in ClinVar:

NM_001105206.3(LAMA4):c.2814G>A (p.Arg938=)

Genes: LAMA4 (laminin subunit alpha 4; minus strand), LOC126859766 (MED14-independent group 3 enhancer GRCh37_chr6:112462018-112463217; plus strand). Cytogenetic location: 6q21.
Variant type: single nucleotide variant.
Coding change: c.2814G>A on transcript NM_001105206.3 (MANE Select); coding-DNA position 2814, G replaced by A.
Protein change: p.Arg938=; no amino-acid change (arginine 938 retained).
Molecular consequence: synonymous variant.
Genome position (GRCh38, 1-based): chr6:112,140,922, C>T on the plus strand (G>A on the coding strand, the complement: LAMA4 is on the minus strand). VCF-style: chr6-112140922-C-T. GRCh37 (hg19) VCF-style: chr6-112462124-C-T.
Other names: c.2793G>A, p.Arg931= (NM_001105207.3, NM_002290.5).
Identifiers: ClinVar variation 2992482 (VCV002992482.3), dbSNP rs1554333028, ClinGen allele CA451602956.

ClinVar aggregate classification (germline): Uncertain significance (1 of 4 stars; one submission).

Conditions:
Dilated cardiomyopathy 1JJ (CMD1JJ). Identifiers: Orphanet 154, MedGen C3808935, MONDO:0014095, OMIM 615235.

Submission:

Labcorp Genetics (formerly Invitae), Labcorp
Classification: Uncertain significance for Dilated cardiomyopathy 1JJ. Last evaluated: 2024-01-24. Review status: criteria provided, single submitter. Criteria: Invitae Variant Classification Sherloc (09022015). Collection method: clinical testing. Allele origin: germline.
Comment: This sequence change affects codon 931 of the LAMA4 mRNA. It is a 'silent' change, meaning that it does not change the encoded amino acid sequence of the LAMA4 protein. It affects a nucleotide within the consensus splice site. This variant is not present in population databases (gnomAD no frequency). This variant has not been reported in the literature in individuals affected with LAMA4-related conditions. Algorithms developed to predict the effect of sequence changes on RNA splicing suggest that this variant is not likely to affect RNA splicing. In summary, the available evidence is currently insufficient to determine the role of this variant in disease. Therefore, it has been classified as a Variant of Uncertain Significance.